The following is an entry in ClinVar:

NC_000023.10:g.(?_85149183)_(85149299_?)del

Gene: CHM (CHM Rab escort protein; minus strand). Cytogenetic location: Xq21.2.
Variant type: Deletion.
Identifiers: ClinVar variation 1456605 (VCV001456605.6).

ClinVar aggregate classification (germline): Pathogenic (1 of 4 stars; one submission).

Submission:

Labcorp Genetics (formerly Invitae), Labcorp
Classification: Pathogenic. Last evaluated: 2020-12-31. Review status: criteria provided, single submitter. Criteria: Invitae Variant Classification Sherloc (09022015). Collection method: clinical testing. Allele origin: germline.
Comment: For these reasons, this variant has been classified as Pathogenic. A similar copy number deletion has been observed in individual(s) with CHM-related conditions (PMID: 7981671, 31181178). This variant is also known as c.1414_1510del in the literature. This variant is a gross deletion of the genomic region encompassing exon(s) 12 of the CHM gene. This deletion is out-of-frame, and is expected to create a premature translational stop signal and result in an absent or disrupted protein product. Loss-of-function variants in CHM are known to be pathogenic (PMID: 9067750, 23811034).

Literature cited by the submitters: PubMed 7981671; PubMed 31181178; PubMed 9067750; PubMed 23811034.